The following is an entry in ClinVar:

ClinVar aggregate classification (germline): Uncertain significance. Review status: criteria provided, multiple submitters, no conflicts (2 of 4 stars). 2 submissions from 2 submitters: Uncertain significance (2). Last evaluated 2026-01-14.

Conditions:
SOS2-related disorder. Also called: SOS2-related condition.
Noonan syndrome 9 (NS9). Identifiers: Orphanet 648, MedGen C4225282, MONDO:0014691, OMIM 616559.

Allele frequency attached by ClinVar (database versions not stated): gnomAD exomes below 0.00001.
gnomAD v4.1: 1 of 1,595,590 alleles (0.000063%); highest among the groups gnomAD compares: Non-Finnish European, 0.000086%; no homozygotes.

Submissions (2):

PreventionGenetics, part of Exact Sciences
Classification: Uncertain significance for SOS2-related condition. Last evaluated: 2026-01-14. Review status: criteria provided, single submitter. Criteria: ACMG Guidelines, 2015. Collection method: clinical testing. Allele origin: germline.
Comment: The SOS2 c.3047C>G variant is predicted to result in the amino acid substitution p.Pro1016Arg. To our knowledge, this variant has not been reported in the literature or in a large population database (gnomAD), indicating this variant is rare. At this time, the clinical significance of this variant is uncertain due to the absence of conclusive functional and genetic evidence.

Labcorp Genetics (formerly Invitae), Labcorp
Classification: Uncertain significance for Noonan syndrome 9. Last evaluated: 2023-01-31. Review status: criteria provided, single submitter. Criteria: Invitae Variant Classification Sherloc (09022015). Collection method: clinical testing. Allele origin: germline.
Comment: This sequence change replaces proline, which is neutral and non-polar, with arginine, which is basic and polar, at codon 1016 of the SOS2 protein (p.Pro1016Arg). This variant is not present in population databases (gnomAD no frequency). In summary, the available evidence is currently insufficient to determine the role of this variant in disease. Therefore, it has been classified as a Variant of Uncertain Significance. Advanced modeling of protein sequence and biophysical properties (such as structural, functional, and spatial information, amino acid conservation, physicochemical variation, residue mobility, and thermodynamic stability) performed at Invitae indicates that this missense variant is expected to disrupt SOS2 protein function. This variant has not been reported in the literature in individuals affected with SOS2-related conditions.

NM_006939.4(SOS2):c.3047C>G (p.Pro1016Arg)

Gene: SOS2 (SOS Ras/Rho guanine nucleotide exchange factor 2; minus strand). Cytogenetic location: 14q21.3.
Variant type: single nucleotide variant.
Coding change: c.3047C>G on transcript NM_006939.4 (MANE Select); coding-DNA position 3047, C replaced by G.
Protein change: p.Pro1016Arg; replaces proline 1016 with arginine.
Molecular consequence: missense variant.
Genome position (GRCh38, 1-based): chr14:50,134,151, G>C on the plus strand (C>G on the coding strand, the complement: SOS2 is on the minus strand). VCF-style: chr14-50134151-G-C. GRCh37 (hg19) VCF-style: chr14-50600869-G-C.
Other names: c.2948C>G, p.Pro983Arg (NM_001411020.1); c.3047C>G (NM_006939.3); short protein forms P1016R, P983R.
Identifiers: ClinVar variation 2882212 (VCV002882212.4), dbSNP rs2502850472, ClinGen allele CA389641591.